The following is an entry in ClinVar:

NM_024426.6(WT1):c.105G>T (p.Gln35His)

Genes: WT1 (WT1 transcription factor; minus strand), LOC107982234 (WT1/WT1-AS bi-directional promoter region; plus strand). Cytogenetic location: 11p13.
Variant type: single nucleotide variant.
Coding change: c.105G>T on transcript NM_024426.6 (MANE Select); coding-DNA position 105, G replaced by T.
Protein change: p.Gln35His; replaces glutamine 35 with histidine.
Molecular consequence: missense variant. On other transcripts: non-coding transcript variant (2).
Genome position (GRCh38, 1-based): chr11:32,435,256, C>A on the plus strand (G>T on the coding strand, the complement: WT1 is on the minus strand). VCF-style: chr11-32435256-C-A. GRCh37 (hg19) VCF-style: chr11-32456802-C-A.
Other names: c.105G>T, p.Gln35His (NM_000378.6, NM_001407044.1, NM_001407045.1 and 6 more transcripts); c.90G>T, p.Gln30His (NM_024425.2); c.90G>T (NM_024426.4); short protein forms Q30H, Q35H.
Identifiers: ClinVar variation 2928142 (VCV002928142.4), dbSNP rs1056503917, ClinGen allele CA219511452.

ClinVar aggregate classification (germline): Uncertain significance. Review status: criteria provided, multiple submitters, no conflicts (2 of 4 stars). 2 submissions from 2 submitters: Uncertain significance (2). Last evaluated 2025-05-05.

Conditions:
Frasier syndrome. Identifiers: Orphanet 347, MedGen C0950122, MeSH D052159, MONDO:0007635, OMIM 136680.
Drash syndrome (DDS). Also called: NEPHROPATHY, WILMS TUMOR, AND GENITAL ANOMALIES; WILMS TUMOR AND PSEUDO- OR TRUE HERMAPHRODITISM. Identifiers: Orphanet 220, MedGen C0950121, MONDO:0008682, OMIM 194080.
Wilms tumor 1 (WT1). Also called: Wilms tumor, somatic. Identifiers: Orphanet 654, MedGen CN033288, MONDO:0008679, OMIM 194070.
11p partial monosomy syndrome (WAGR). Also called: WAGR syndrome; WAGR Complex; CHROMOSOME 11p13 DELETION SYNDROME; WAGR Spectrum Disorder. Identifiers: Orphanet 893, MedGen C0206115, MONDO:0008681, OMIM 194072.
Inborn genetic diseases. Identifiers: MedGen C0950123, MeSH D030342.

Allele frequency attached by ClinVar (database versions not stated): gnomAD exomes below 0.00001.
gnomAD v4.1: 2 of 1,535,454 alleles (0.00013%); highest among the groups gnomAD compares: African/African-American, 0.0014%; no homozygotes.

Submissions (2):

Ambry Genetics
Classification: Uncertain significance for Inborn genetic diseases. Last evaluated: 2025-05-05. Review status: criteria provided, single submitter. Criteria: Ambry Variant Classification Scheme 2023. Collection method: clinical testing. Allele origin: germline.
Comment: The p.Q30H variant (also known as c.90G>T), located in coding exon 1 of the WT1 gene, results from a G to T substitution at nucleotide position 90. The glutamine at codon 30 is replaced by histidine, an amino acid with highly similar properties. This amino acid position is conserved. In addition, this alteration is predicted to be tolerated by in silico analysis. Based on the available evidence, the clinical significance of this variant remains unclear.

Labcorp Genetics (formerly Invitae), Labcorp
Classification: Uncertain significance for Wilms tumor 1; Drash syndrome; 11p partial monosomy syndrome; Frasier syndrome. Last evaluated: 2022-11-24. Review status: criteria provided, single submitter. Criteria: Invitae Variant Classification Sherloc (09022015). Collection method: clinical testing. Allele origin: germline.
Comment: In summary, the available evidence is currently insufficient to determine the role of this variant in disease. Therefore, it has been classified as a Variant of Uncertain Significance. Algorithms developed to predict the effect of missense changes on protein structure and function output the following: SIFT: "Deleterious"; PolyPhen-2: "Benign"; Align-GVGD: "Class C0". The histidine amino acid residue is found in multiple mammalian species, which suggests that this missense change does not adversely affect protein function. This variant has not been reported in the literature in individuals affected with WT1-related conditions. This variant is not present in population databases (gnomAD no frequency). This sequence change replaces glutamine, which is neutral and polar, with histidine, which is basic and polar, at codon 30 of the WT1 protein (p.Gln30His).